The following is an entry in ClinVar:

ClinVar aggregate classification (germline): Pathogenic (1 of 4 stars; one submission).

Conditions:
Primary ciliary dyskinesia. Also called: Ciliary dyskinesia. Identifiers: Orphanet 244, MedGen C0008780, MONDO:0016575, HP:0012265.

Submission:

Labcorp Genetics (formerly Invitae), Labcorp
Classification: Pathogenic for Primary ciliary dyskinesia. Last evaluated: 2023-06-14. Review status: criteria provided, single submitter. Criteria: Invitae Variant Classification Sherloc (09022015). Collection method: clinical testing. Allele origin: germline.
Comment: This sequence change creates a premature translational stop signal (p.Glu1887*) in the DNAH5 gene. It is expected to result in an absent or disrupted protein product. Loss-of-function variants in DNAH5 are known to be pathogenic (PMID: 11788826, 16627867). This variant is not present in population databases (gnomAD no frequency). This variant has not been reported in the literature in individuals affected with DNAH5-related conditions. For these reasons, this variant has been classified as Pathogenic.

Literature cited by the submitters: PubMed 11788826; PubMed 16627867.

NM_001369.3(DNAH5):c.5659G>T (p.Glu1887Ter)

Gene: DNAH5 (dynein axonemal heavy chain 5; minus strand). Cytogenetic location: 5p15.2.
Variant type: single nucleotide variant.
Coding change: c.5659G>T on transcript NM_001369.3 (MANE Select); coding-DNA position 5659, G replaced by T.
Protein change: p.Glu1887Ter; replaces glutamic acid 1887 with a stop codon.
Molecular consequence: nonsense.
Genome position (GRCh38, 1-based): chr5:13,840,956, C>A on the plus strand (G>T on the coding strand, the complement: DNAH5 is on the minus strand). VCF-style: chr5-13840956-C-A. GRCh37 (hg19) VCF-style: chr5-13841065-C-A.
Other names: short protein forms E1887*.
Identifiers: ClinVar variation 2715182 (VCV002715182.3), dbSNP rs1179042084, ClinGen allele CA359209038.
Genomic context (GRCh38, chr5:13,840,956, plus strand): 5'-AAGAATTTACCAGGTCATCAAAGATATCCCTTTGGTGCACATGAATAGTAATCAGAGTCT[C>A]GTATTTCACTCGTTCCGTGGAACTCAGATCCCTCGTGGTGACGTCTATCAATGTATTGAG-3'